The following is an entry in ClinVar:

NM_007055.4(POLR3A):c.318+3A>G

Genes: POLR3A (RNA polymerase III subunit A; minus strand), LOC126860971 (CDK7 strongly-dependent group 2 enhancer GRCh37_chr10:79784551-79785750; plus strand). Cytogenetic location: 10q22.3.
Variant type: single nucleotide variant.
Coding change: c.318+3A>G on transcript NM_007055.4 (MANE Select); 3 bases into the intron after coding-DNA position 318, A replaced by G.
Molecular consequence: intron variant.
Genome position (GRCh38, 1-based): chr10:78,025,619, T>C on the plus strand (A>G on the coding strand, the complement: POLR3A is on the minus strand). VCF-style: chr10-78025619-T-C. GRCh37 (hg19) VCF-style: chr10-79785377-T-C.
Identifiers: ClinVar variation 2018301 (VCV002018301.4), dbSNP rs2493244317, ClinGen allele CA2580082017.

ClinVar aggregate classification (germline): Uncertain significance (1 of 4 stars; one submission).

Submission:

Labcorp Genetics (formerly Invitae), Labcorp
Classification: Uncertain significance. Last evaluated: 2022-07-20. Review status: criteria provided, single submitter. Criteria: Invitae Variant Classification Sherloc (09022015). Collection method: clinical testing. Allele origin: germline.
Comment: In summary, the available evidence is currently insufficient to determine the role of this variant in disease. Therefore, it has been classified as a Variant of Uncertain Significance. Variants that disrupt the consensus splice site are a relatively common cause of aberrant splicing (PMID: 17576681, 9536098). Algorithms developed to predict the effect of sequence changes on RNA splicing suggest that this variant is not likely to affect RNA splicing. This variant has not been reported in the literature in individuals affected with POLR3A-related conditions. This variant is not present in population databases (gnomAD no frequency). This sequence change falls in intron 3 of the POLR3A gene. It does not directly change the encoded amino acid sequence of the POLR3A protein. It affects a nucleotide within the consensus splice site.

Literature cited by the submitters: PubMed 17576681; PubMed 9536098.